The following is an entry in ClinVar:

ClinVar aggregate classification (germline): Uncertain significance (1 of 4 stars; one submission).

Conditions:
Joubert syndrome. Also called: CEREBELLOPARENCHYMAL DISORDER IV; JOUBERT-BOLTSHAUSER SYNDROME; Familial aplasia of the vermis. Identifiers: Orphanet 475, MedGen C5979921, MONDO:0018772.
Nephronophthisis. Also called: Juvenile Nephronophthisis. Identifiers: Orphanet 655, MedGen C0687120, MONDO:0019005, HP:0000090.
Meckel-Gruber syndrome. Also called: DYSENCEPHALIA SPLANCHNOCYSTICA; GRUBER SYNDROME; Dysencephalia splachnocystica. Identifiers: Orphanet 564, MedGen C0265215, MONDO:0018921.

gnomAD v4.1: 2 of 1,602,000 alleles (0.00012%); highest among the groups gnomAD compares: South Asian, 0.0011%; no homozygotes.

Submission:

Labcorp Genetics (formerly Invitae), Labcorp
Classification: Uncertain significance for Joubert syndrome; Meckel-Gruber syndrome; Nephronophthisis. Last evaluated: 2024-11-14. Review status: criteria provided, single submitter. Criteria: Invitae Variant Classification Sherloc (09022015). Collection method: clinical testing. Allele origin: germline.
Comment: This sequence change affects codon 939 of the CEP290 mRNA. It is a 'silent' change, meaning that it does not change the encoded amino acid sequence of the CEP290 protein. This variant also falls at the last nucleotide of exon 25, which is part of the consensus splice site for this exon. The frequency data for this variant in the population databases is considered unreliable, as metrics indicate poor data quality at this position in the gnomAD database. This variant has been observed in individual(s) with Leber congenital amaurosis (internal data). Variants that disrupt the consensus splice site are a relatively common cause of aberrant splicing (PMID: 17576681, 9536098). Algorithms developed to predict the effect of sequence changes on RNA splicing suggest that this variant may disrupt the consensus splice site. This variant disrupts the c.2817G nucleotide in the CEP290 gene. Other variant(s) that disrupt this nucleotide have been determined to be pathogenic (PMID: 28973549). This suggests that this nucleotide is clinically significant, and that variants that disrupt this position are likely to be disease-causing. In summary, the available evidence is currently insufficient to determine the role of this variant in disease. Therefore, it has been classified as a Variant of Uncertain Significance.

Literature cited by the submitters: PubMed 17576681; PubMed 9536098; PubMed 28973549.

NM_025114.4(CEP290):c.2817G>A (p.Lys939=)

Gene: CEP290 (centrosomal protein 290; minus strand). Cytogenetic location: 12q21.32.
Variant type: single nucleotide variant.
Coding change: c.2817G>A on transcript NM_025114.4 (MANE Select); coding-DNA position 2817, G replaced by A.
Protein change: p.Lys939=; no amino-acid change (lysine 939 retained).
Molecular consequence: synonymous variant.
Genome position (GRCh38, 1-based): chr12:88,106,675, C>T on the plus strand (G>A on the coding strand, the complement: CEP290 is on the minus strand). VCF-style: chr12-88106675-C-T. GRCh37 (hg19) VCF-style: chr12-88500452-C-T.
Identifiers: ClinVar variation 3750244 (VCV003750244.2).
Genomic context (GRCh38, chr12:88,106,675, plus strand): 5'-ATCTTCTGCATATTTGAAATTTTTCATAGTCAGAAAAAGCAAAATAAGAATCAGATGTAC[C>T]TTAAATCTTTGCAAACACCCAATTTTTTCACAAACTTCAGCCTCCATTGACAACAATTCA-3'
Protein context (NP_079390.3, residues 929-949): CEKIGCLQRF[Lys939=]EMAIFKIAAL